The following is an entry in ClinVar:

NM_001374385.1(ATP8B1):c.823T>G (p.Phe275Val)

Gene: ATP8B1 (ATPase phospholipid transporting 8B1; minus strand). Cytogenetic location: 18q21.31.
Variant type: single nucleotide variant.
Coding change: c.823T>G on transcript NM_001374385.1 (MANE Select); coding-DNA position 823, T replaced by G.
Protein change: p.Phe275Val; replaces phenylalanine 275 with valine.
Molecular consequence: missense variant.
Genome position (GRCh38, 1-based): chr18:57,695,288, A>C on the plus strand (T>G on the coding strand, the complement: ATP8B1 is on the minus strand). VCF-style: chr18-57695288-A-C. GRCh37 (hg19) VCF-style: chr18-55362520-A-C.
Other names: c.673T>G, p.Phe225Val (NM_001374386.1); c.823T>G, p.Phe275Val (NM_005603.6); short protein forms F225V, F275V.
Identifiers: ClinVar variation 3807860 (VCV003807860.2).

ClinVar aggregate classification (germline): Uncertain significance. Review status: criteria provided, multiple submitters, no conflicts (2 of 4 stars). 2 submissions from 2 submitters: Uncertain significance (2). Last evaluated 2025-08-18.

Conditions:
ATP8B1-related disorder. Also called: ATP8B1-related condition; ATP8B1-related disorders.
Inborn genetic diseases. Identifiers: MedGen C0950123, MeSH D030342.

Submissions (2):

PreventionGenetics, part of Exact Sciences
Classification: Uncertain significance for ATP8B1-related condition. Last evaluated: 2025-08-18. Review status: criteria provided, single submitter. Criteria: ACMG Guidelines, 2015. Collection method: clinical testing. Allele origin: germline.
Comment: The ATP8B1 c.823T>G variant is predicted to result in the amino acid substitution p.Phe275Val. To our knowledge, this variant has not been reported in the literature or in a large population database (gnomAD), indicating this variant is rare. At this time, the clinical significance of this variant is uncertain due to the absence of conclusive functional and genetic evidence.

Ambry Genetics
Classification: Uncertain significance for Inborn genetic diseases. Last evaluated: 2025-02-07. Review status: criteria provided, single submitter. Criteria: Ambry Variant Classification Scheme 2023. Collection method: clinical testing. Allele origin: germline.